The following is an entry in ClinVar:

ClinVar aggregate classification (germline): Pathogenic. Review status: criteria provided, multiple submitters, no conflicts (2 of 4 stars). 2 submissions from 2 submitters: Pathogenic (2). Last evaluated 2023-11-20.

Conditions:
Pontocerebellar hypoplasia type 2A (PCH2A). Also called: PONTOCEREBELLAR HYPOPLASIA WITH PROGRESSIVE CEREBRAL ATROPHY; VOLENDAM NEURODEGENERATIVE DISEASE. Identifiers: Orphanet 2524, MedGen C1848526, MONDO:0010190, OMIM 277470.
Pontocerebellar hypoplasia type 4 (PCH4). Also called: Pontocerebellar Hypoplasia Type 4 (PCH4). Identifiers: Orphanet 166063, MedGen C1856974, MONDO:0009166, OMIM 225753.

Submissions (2):

Labcorp Genetics (formerly Invitae), Labcorp
Classification: Pathogenic. Last evaluated: 2023-11-20. Review status: criteria provided, single submitter. Criteria: Invitae Variant Classification Sherloc (09022015). Collection method: clinical testing. Allele origin: germline.
Comment: This sequence change creates a premature translational stop signal (p.Leu314Phefs*28) in the TSEN54 gene. It is expected to result in an absent or disrupted protein product. Loss-of-function variants in TSEN54 are known to be pathogenic (PMID: 18711368, 20952379). This variant is present in population databases (no rsID available, gnomAD 0.002%). This variant has not been reported in the literature in individuals affected with TSEN54-related conditions. ClinVar contains an entry for this variant (Variation ID: 561138). For these reasons, this variant has been classified as Pathogenic.

Baylor Genetics
Classification: Pathogenic for Pontocerebellar hypoplasia type 2A; Pontocerebellar hypoplasia type 4. Last evaluated: 2017-09-01. Review status: criteria provided, single submitter. Criteria: ACMG Guidelines, 2015. Collection method: clinical testing. Allele origin: maternal. Inheritance: Autosomal recessive inheritance. Affected: yes.

Literature cited by the submitters: PubMed 18711368 (cited by Labcorp Genetics (formerly Invitae), Labcorp); PubMed 20952379 (cited by Labcorp Genetics (formerly Invitae), Labcorp); PubMed 25326635 (cited by Baylor Genetics).

NM_207346.3(TSEN54):c.940del (p.Leu314fs)

Gene: TSEN54 (tRNA splicing endonuclease subunit 54; plus strand). Cytogenetic location: 17q25.1.
Variant type: Deletion.
Coding change: c.940del on transcript NM_207346.3 (MANE Select); coding-DNA position 940, one base deleted (C; older notation c.940delC).
Protein change: p.Leu314fs; shifts the reading frame from leucine 314.
Molecular consequence: frameshift variant.
Genome position (GRCh38, 1-based): chr17:75,522,021, C deleted; the last of 3 consecutive C bases (chr17:75,522,019-75,522,021); deleting any one gives the same sequence. VCF-style (leftmost placement, unchanged base first): chr17-75522018-AC-A. GRCh37 (hg19) VCF-style: chr17-73518099-AC-A.
Other names: short protein forms L314fs.
Identifiers: ClinVar variation 561138 (VCV000561138.5), dbSNP rs1012275384, ClinGen allele CA294079162.
Genomic context (GRCh38, chr17:75,522,018, plus strand): 5'-AAGCGGCGCTGGAACTTCGAGCAGATCTCCTTCCCCAACATGGCTTCAGACAGCCGCCAC[AC>A]CCTTCTGCGCGCCCCAGCCCCAGAGCTGCTCCCGGCCAACGTGGCTGGGCGGGAGACAGA-3'